The following is an entry in ClinVar:

ClinVar aggregate classification (germline): Conflicting classifications of pathogenicity. Review status: criteria provided, conflicting classifications (1 of 4 stars). 8 submissions from 7 submitters: Uncertain significance (7); Likely benign (1). Last evaluated 2026-09-14.

Conditions:
JUP-related disorder. Also called: JUP-related condition.
Cardiovascular phenotype. Identifiers: MedGen CN230736.
Arrhythmogenic right ventricular dysplasia 12. Also called: ARRHYTHMOGENIC RIGHT VENTRICULAR DYSPLASIA, FAMILIAL, 12. Identifiers: MedGen C1969081, MONDO:0012684, OMIM 611528.
Naxos disease (NXD). Also called: KERATOSIS PALMOPLANTARIS WITH ARRHYTHMOGENIC CARDIOMYOPATHY; MAL DE NAXOS; PALMOPLANTAR KERATODERMA WITH ARRHYTHMOGENIC RIGHT VENTRICULAR CARDIOMYOPATHY AND WOOLLY HAIR; WOOLLY HAIR, PALMOPLANTAR KERATODERMA, AND CARDIAC ABNORMALITIES; CARDIOMYOPATHY, ARRHYTHMOGENIC RIGHT VENTRICULAR, WITH SKIN, HAIR, AND NAIL ABNORMALITIES. Identifiers: Orphanet 34217, MedGen C1832600, MONDO:0011017, OMIM 601214.

Allele frequency attached by ClinVar (database versions not stated): gnomAD exomes 0.00005; TOPMed 0.00005; ESP Exome Variant Server 0.00023; gnomAD 0.00002; ExAC 0.00004.
gnomAD v4.1: 116 of 1,614,130 alleles (0.0072%); highest among the groups gnomAD compares: Non-Finnish European, 0.0097%; no homozygotes.

Submissions (8):

GeneDx
Classification: Uncertain significance. Last evaluated: 2026-09-14. Review status: criteria provided, single submitter. Criteria: GeneDx Variant Classification Process June 2021. Collection method: clinical testing. Allele origin: germline.
Comment: In silico analysis supports that this missense variant has a deleterious effect on protein structure/function; This variant is associated with the following publications: (PMID: 23396983, 28341588, 25351510, 23861362)

Labcorp Genetics (formerly Invitae), Labcorp
Classification: Uncertain significance for Arrhythmogenic right ventricular dysplasia 12; Naxos disease. Last evaluated: 2026-01-06. Review status: criteria provided, single submitter. Criteria: Invitae Variant Classification Sherloc (09022015). Collection method: clinical testing. Allele origin: germline.
Comment: This sequence change replaces isoleucine, which is neutral and non-polar, with phenylalanine, which is neutral and non-polar, at codon 442 of the JUP protein (p.Ile442Phe). This variant is present in population databases (rs142213474, gnomAD 0.01%). This missense change has been observed in individual(s) with primary electrical disease and hypertrophic cardiomyopathy (PMID: 25351510, 28341588). ClinVar contains an entry for this variant (Variation ID: 191671). An algorithm developed to predict the effect of missense changes on protein structure and function (PolyPhen-2) suggests that this variant is likely to be disruptive. In summary, the available evidence is currently insufficient to determine the role of this variant in disease. Therefore, it has been classified as a Variant of Uncertain Significance.

PreventionGenetics, part of Exact Sciences
Classification: Uncertain significance for JUP-related condition. Last evaluated: 2024-12-17. Review status: criteria provided, single submitter. Criteria: ACMG Guidelines, 2015. Collection method: clinical testing. Allele origin: germline.
Comment: The JUP c.1324A>T variant is predicted to result in the amino acid substitution p.Ile442Phe. This variant has been reported in individuals with hypertrophic cardiomyopathy or primary electrical disease (Lopes et al. 2015. PubMed ID: 25351510; Proost et al. 2017. PubMed ID: 28341588). This variant is reported in 0.018% of alleles in individuals of African descent in gnomAD. At this time, the clinical significance of this variant is uncertain due to the absence of conclusive functional and genetic evidence.

Ambry Genetics
Classification: Likely benign for Cardiovascular phenotype. Last evaluated: 2022-10-06. Review status: criteria provided, single submitter. Criteria: Ambry Variant Classification Scheme 2023. Collection method: clinical testing. Allele origin: germline.

Women's Health and Genetics/Laboratory Corporation of America, LabCorp
Classification: Uncertain significance. Last evaluated: 2022-01-31. Review status: criteria provided, single submitter. Criteria: LabCorp Variant Classification Summary - May 2015. Collection method: clinical testing. Allele origin: germline.
Comment: Variant summary: JUP c.1324A>T (p.Ile442Phe) results in a non-conservative amino acid change in the encoded protein sequence. Four of five in-silico tools predict a damaging effect of the variant on protein function. The variant allele was found at a frequency of 4.8e-05 in 251428 control chromosomes. The observed variant frequency is approximately 8 fold of the estimated maximal expected allele frequency for a pathogenic variant in JUP causing Arrhythmogenic Right Ventricular Dysplasia/Cardiomyopathy phenotype (6.3e-06), strongly suggesting that the variant is benign. c.1324A>T has been reported in the literature as a VUS/rare variant in settings of multigene panel testing in an individual with primary electric disease and in an individual with hypertrophic cardiomyopathy (HCM) (example, Proost_2017, Lopez_2013). These report(s) do not provide unequivocal conclusions about association of the variant with Arrhythmogenic Right Ventricular Dysplasia/Cardiomyopathy. To our knowledge, no experimental evidence demonstrating an impact on protein function has been reported. Four clinical diagnostic laboratories have submitted clinical-significance assessments for this variant to ClinVar after 2014 without evidence for independent evaluation. All laboratories classified the variant as uncertain significance. Some submitters cite overlapping evidence utilized in the context of this evaluation. Based on the evidence outlined above, the variant was classified as VUS-possibly benign.

Illumina Laboratory Services, Illumina
Classification: Uncertain significance for Arrhythmogenic right ventricular dysplasia 12. Last evaluated: 2018-01-13. Review status: criteria provided, single submitter. Criteria: ICSL Variant Classification Criteria 13 December 2019. Collection method: clinical testing. Allele origin: germline.

Illumina Laboratory Services, Illumina
Classification: Uncertain significance for Naxos disease. Last evaluated: 2018-01-13. Review status: criteria provided, single submitter. Criteria: ICSL Variant Classification Criteria 13 December 2019. Collection method: clinical testing. Allele origin: germline.

Biesecker Lab/Clinical Genomics Section, National Institutes of Health
Classification: Uncertain significance. Last evaluated: 2013-06-24. Review status: criteria provided, single submitter. Criteria: Ng et al. (Circ Cardiovasc Genet. 2013). Collection method: research. Allele origin: unknown. Observed: 1 variant allele. Study: ClinSeq.
Comment: The study set was not selected for affection status in relation to any cancer. Pathogenicity categories were based on literature curation. See Pubmed ID:23861362 for details.

Medical sequencing

Literature cited by the submitters: PubMed 25351510 (cited by Labcorp Genetics (formerly Invitae), Labcorp and Ambry Genetics); PubMed 28341588 (cited by 3 submitters); PubMed 23396983 (cited by Ambry Genetics and Women's Health and Genetics/Laboratory Corporation of America, LabCorp); PubMed 23861362 (cited by Ambry Genetics).

NM_002230.4(JUP):c.1324A>T (p.Ile442Phe)

Gene: JUP (junction plakoglobin; minus strand). Cytogenetic location: 17q21.2.
Variant type: single nucleotide variant.
Coding change: c.1324A>T on transcript NM_002230.4 (MANE Select); coding-DNA position 1324, A replaced by T.
Protein change: p.Ile442Phe; replaces isoleucine 442 with phenylalanine.
Molecular consequence: missense variant.
Genome position (GRCh38, 1-based): chr17:41,763,156, T>A on the plus strand (A>T on the coding strand, the complement: JUP is on the minus strand). VCF-style: chr17-41763156-T-A. GRCh37 (hg19) VCF-style: chr17-39919408-T-A.
Other names: p.I442F:ATC>TTC; c.1324A>T, p.Ile442Phe (NM_001352773.2, NM_001352774.2, NM_001352775.2 and 3 more transcripts); short protein forms I442F.
Identifiers: ClinVar variation 191671 (VCV000191671.21), dbSNP rs142213474, ClinGen allele CA237210.